The following is an entry in ClinVar:

NM_001457.4(FLNB):c.2452C>T (p.Arg818Ter)

Gene: FLNB (filamin B; plus strand). Cytogenetic location: 3p14.3.
Variant type: single nucleotide variant.
Coding change: c.2452C>T on transcript NM_001457.4 (MANE Select); coding-DNA position 2452, C replaced by T.
Protein change: p.Arg818Ter; replaces arginine 818 with a stop codon.
Molecular consequence: nonsense.
Genome position (GRCh38, 1-based): chr3:58,110,138, C>T. VCF-style: chr3-58110138-C-T. GRCh37 (hg19) VCF-style: chr3-58095865-C-T.
Other names: c.2452C>T, p.Arg818Ter (NM_001164317.2, NM_001164318.2, NM_001164319.2); c.2452C>T (NM_001457.3); short protein forms R818*.
Identifiers: ClinVar variation 6396 (VCV000006396.5), dbSNP rs80356519, ClinGen allele CA340573.

ClinVar aggregate classification (germline): Pathogenic. Review status: criteria provided, single submitter (1 of 4 stars). 4 submissions from 4 submitters: Pathogenic (1). 3 of the submissions do not count toward it. Last evaluated 2023-03-04.

Conditions:
Spondylocarpotarsal synostosis syndrome (SCT). Also called: VERTEBRAL FUSION WITH CARPAL COALITION; Spondylocarpotarsal Synostosis Syndrome (FLNB-SCT); SPONDYLOCARPOTARSAL SYNDROME; Synspondylism congenital; Scoliosis, congenital with unilateral unsegmented bar. Identifiers: Orphanet 3275, MedGen C1848934, MONDO:0010094, OMIM 272460.

Allele frequency attached by ClinVar (database versions not stated): gnomAD exomes below 0.00001 and 0.00001; TOPMed below 0.00001; gnomAD 0.00001.
gnomAD v4.1: 10 of 1,614,042 alleles (0.00062%); highest among the groups gnomAD compares: Non-Finnish European, 0.00085%; no homozygotes.

Submissions (4):

Labcorp Genetics (formerly Invitae), Labcorp
Classification: Pathogenic. Last evaluated: 2023-03-04. Review status: criteria provided, single submitter. Criteria: Invitae Variant Classification Sherloc (09022015). Collection method: clinical testing. Allele origin: germline.
Comment: For these reasons, this variant has been classified as Pathogenic. ClinVar contains an entry for this variant (Variation ID: 6396). This premature translational stop signal has been observed in individual(s) with spondylocarpotarsal synostosis syndrome (PMID: 14991055). This variant is present in population databases (rs80356519, gnomAD 0.0009%). This sequence change creates a premature translational stop signal (p.Arg818*) in the FLNB gene. It is expected to result in an absent or disrupted protein product. Loss-of-function variants in FLNB are known to be pathogenic (PMID: 14991055).

Department of Pediatrics, Taizhou Central Hospital, Taizhou University Hospital
Classification: Pathogenic for Spondylocarpotarsal synostosis syndrome. Last evaluated: 2024-02-01. Review status: no assertion criteria provided. Collection method: clinical testing. Allele origin: maternal. Affected: yes. Observed: 1 variant allele. Not counted in ClinVar's aggregate classification.

OMIM
Classification: Pathogenic for SPONDYLOCARPOTARSAL SYNOSTOSIS SYNDROME. Last evaluated: 2004-04-01. Review status: no assertion criteria provided. Collection method: literature only. Allele origin: germline. Not counted in ClinVar's aggregate classification.

GeneReviews
No classification provided. Condition: Spondylocarpotarsal synostosis syndrome. Review status: no classification provided. Collection method: literature only. Allele origin: unknown. Not counted in ClinVar's aggregate classification.

Literature cited by the submitters: PubMed 14991055 (cited by 3 submitters); PubMed 20301736 (cited by GeneReviews); NCBI Bookshelf NBK2534 (cited by GeneReviews).